The following is an entry in ClinVar:

ClinVar aggregate classification (germline): Uncertain significance (1 of 4 stars; one submission).

Conditions:
Cystic fibrosis (CF). Also called: MUCOVISCIDOSIS. Identifiers: Orphanet 586, MedGen C0010674, MONDO:0009061, OMIM 219700. Disease mechanism: loss of function.

Submission:

Ambry Genetics
Classification: Uncertain significance for Cystic fibrosis. Last evaluated: 2024-04-29. Review status: criteria provided, single submitter. Criteria: Ambry Variant Classification Scheme 2023. Collection method: clinical testing. Allele origin: germline.
Comment: The p.G1342W variant (also known as c.4024G>T), located in coding exon 25 of the CFTR gene, results from a G to T substitution at nucleotide position 4024. The glycine at codon 1342 is replaced by tryptophan, an amino acid with highly dissimilar properties. This amino acid position is highly conserved in available vertebrate species. In addition, this alteration is predicted to be deleterious by in silico analysis. Based on the available evidence, the clinical significance of this variant remains unclear.

NM_000492.4(CFTR):c.4024G>T (p.Gly1342Trp)

Gene: CFTR (CF transmembrane conductance regulator; plus strand). Cytogenetic location: 7q31.2.
Variant type: single nucleotide variant.
Coding change: c.4024G>T on transcript NM_000492.4 (MANE Select); coding-DNA position 4024, G replaced by T.
Protein change: p.Gly1342Trp; replaces glycine 1342 with tryptophan.
Molecular consequence: missense variant.
Genome position (GRCh38, 1-based): chr7:117,664,748, G>T. VCF-style: chr7-117664748-G-T. GRCh37 (hg19) VCF-style: chr7-117304802-G-T.
Other names: short protein forms G1342W.
Identifiers: ClinVar variation 3266628 (VCV003266628.1).